The following is an entry in ClinVar:

ClinVar aggregate classification (germline): Uncertain significance (1 of 4 stars; one submission).

gnomAD v4.1: 15 of 1,614,072 alleles (0.00093%); highest among the groups gnomAD compares: African/African-American, 0.0067%; no homozygotes.

Submission:

Labcorp Genetics (formerly Invitae), Labcorp
Classification: Uncertain significance. Last evaluated: 2025-03-19. Review status: criteria provided, single submitter. Criteria: Invitae Variant Classification Sherloc (09022015). Collection method: clinical testing. Allele origin: germline.
Comment: This sequence change replaces arginine, which is basic and polar, with histidine, which is basic and polar, at codon 179 of the TRPV6 protein (p.Arg179His). This variant is present in population databases (rs777414117, gnomAD 0.01%). This variant has not been reported in the literature in individuals affected with TRPV6-related conditions. An algorithm developed to predict the effect of missense changes on protein structure and function outputs the following: PolyPhen-2: "Not Available". The histidine amino acid residue is found in multiple mammalian species, which suggests that this missense change does not adversely affect protein function. In summary, the available evidence is currently insufficient to determine the role of this variant in disease. Therefore, it has been classified as a Variant of Uncertain Significance.

NM_018646.6(TRPV6):c.536G>A (p.Arg179His)

Gene: TRPV6 (transient receptor potential cation channel subfamily V member 6; minus strand). Cytogenetic location: 7q34.
Variant type: single nucleotide variant.
Coding change: c.536G>A on transcript NM_018646.6 (MANE Select); coding-DNA position 536, G replaced by A.
Protein change: p.Arg179His; replaces arginine 179 with histidine.
Molecular consequence: missense variant.
Genome position (GRCh38, 1-based): chr7:142,877,213, C>T on the plus strand (G>A on the coding strand, the complement: TRPV6 is on the minus strand). VCF-style: chr7-142877213-C-T. GRCh37 (hg19) VCF-style: chr7-142574966-C-T.
Other names: short protein forms R179H.
Identifiers: ClinVar variation 4750755 (VCV004750755.1).